The following is an entry in ClinVar:

ClinVar aggregate classification (germline): Uncertain significance (1 of 4 stars; one submission).

Conditions:
Charcot-Marie-Tooth disease axonal type 2Z. Also called: CHARCOT-MARIE-TOOTH DISEASE, AXONAL, AUTOSOMAL DOMINANT, TYPE 2Z; CHARCOT-MARIE-TOOTH NEUROPATHY, TYPE 2Z. Identifiers: Orphanet 466768, MedGen C5569025, MONDO:0014736, OMIM 616688.

Submission:

Labcorp Genetics (formerly Invitae), Labcorp
Classification: Uncertain significance for Charcot-Marie-Tooth disease axonal type 2Z. Last evaluated: 2024-11-22. Review status: criteria provided, single submitter. Criteria: Invitae Variant Classification Sherloc (09022015). Collection method: clinical testing. Allele origin: germline.
Comment: This sequence change replaces proline, which is neutral and non-polar, with histidine, which is basic and polar, at codon 531 of the MORC2 protein (p.Pro531His). This variant is not present in population databases (gnomAD no frequency). This variant has not been reported in the literature in individuals affected with MORC2-related conditions. Invitae Evidence Modeling of protein sequence and biophysical properties (such as structural, functional, and spatial information, amino acid conservation, physicochemical variation, residue mobility, and thermodynamic stability) indicates that this missense variant is not expected to disrupt MORC2 protein function with a negative predictive value of 80%. In summary, the available evidence is currently insufficient to determine the role of this variant in disease. Therefore, it has been classified as a Variant of Uncertain Significance.

NM_001303256.3(MORC2):c.1592C>A (p.Pro531His)

Gene: MORC2 (MORC family CW-type zinc finger 2; minus strand). Cytogenetic location: 22q12.2.
Variant type: single nucleotide variant.
Coding change: c.1592C>A on transcript NM_001303256.3 (MANE Select); coding-DNA position 1592, C replaced by A.
Protein change: p.Pro531His; replaces proline 531 with histidine.
Molecular consequence: missense variant.
Genome position (GRCh38, 1-based): chr22:30,936,944, G>T on the plus strand (C>A on the coding strand, the complement: MORC2 is on the minus strand). VCF-style: chr22-30936944-G-T. GRCh37 (hg19) VCF-style: chr22-31332931-G-T.
Other names: c.1592C>A, p.Pro531His (NM_001303257.2); c.1406C>A, p.Pro469His (NM_014941.3); short protein forms P469H, P531H.
Identifiers: ClinVar variation 3637773 (VCV003637773.2).